The following is an entry in ClinVar:

NM_022455.5(NSD1):c.199T>A (p.Ser67Thr)

Gene: NSD1 (nuclear receptor binding SET domain protein 1; plus strand). Cytogenetic location: 5q35.3.
Variant type: single nucleotide variant.
Coding change: c.199T>A on transcript NM_022455.5 (MANE Select); coding-DNA position 199, T replaced by A.
Protein change: p.Ser67Thr; replaces serine 67 with threonine.
Molecular consequence: missense variant. On other transcripts: intron variant (7).
Genome position (GRCh38, 1-based): chr5:177,135,302, T>A. VCF-style: chr5-177135302-T-A. GRCh37 (hg19) VCF-style: chr5-176562303-T-A.
Other names: c.199T>A, p.Ser67Thr (NM_001409301.1, NM_001409302.1, NM_001409303.1 and 1 more transcripts); c.-37+102T>A (NM_001409305.1, NM_001409306.1, NM_001409308.1 and 4 more transcripts); short protein forms S67T.
Identifiers: ClinVar variation 2104048 (VCV002104048.4), dbSNP rs2480086675, ClinGen allele CA362291555.

ClinVar aggregate classification (germline): Uncertain significance (1 of 4 stars; one submission).

Submission:

Labcorp Genetics (formerly Invitae), Labcorp
Classification: Uncertain significance. Last evaluated: 2022-02-27. Review status: criteria provided, single submitter. Criteria: Invitae Variant Classification Sherloc (09022015). Collection method: clinical testing. Allele origin: germline.
Comment: This variant is not present in population databases (gnomAD no frequency). In summary, the available evidence is currently insufficient to determine the role of this variant in disease. Therefore, it has been classified as a Variant of Uncertain Significance. Advanced modeling of protein sequence and biophysical properties (such as structural, functional, and spatial information, amino acid conservation, physicochemical variation, residue mobility, and thermodynamic stability) performed at Invitae indicates that this missense variant is not expected to disrupt NSD1 protein function. This variant has not been reported in the literature in individuals affected with NSD1-related conditions. This sequence change replaces serine, which is neutral and polar, with threonine, which is neutral and polar, at codon 67 of the NSD1 protein (p.Ser67Thr).